The following is an entry in ClinVar:

ClinVar aggregate classification (germline): Uncertain significance. Review status: criteria provided, multiple submitters, no conflicts (2 of 4 stars). 3 submissions from 3 submitters: Uncertain significance (2). 1 of the submissions does not count toward it. Last evaluated 2025-05-26.

Conditions:
PLOD3-related disorder. Also called: PLOD3-related condition.
Inborn genetic diseases. Identifiers: MedGen C0950123, MeSH D030342.

Allele frequency attached by ClinVar (database versions not stated): ExAC 0.00004; gnomAD 0.00007; ESP Exome Variant Server 0.00008; gnomAD exomes 0.00011; TOPMed 0.00006.
gnomAD v4.1: 175 of 1,560,088 alleles (0.011%); highest among the groups gnomAD compares: Non-Finnish European, 0.014%; no homozygotes.

Submissions (3):

Ambry Genetics
Classification: Uncertain significance for Inborn genetic diseases. Last evaluated: 2025-05-26. Review status: criteria provided, single submitter. Criteria: Ambry Variant Classification Scheme 2023. Collection method: clinical testing. Allele origin: germline.

Labcorp Genetics (formerly Invitae), Labcorp
Classification: Uncertain significance. Last evaluated: 2022-07-18. Review status: criteria provided, single submitter. Criteria: Invitae Variant Classification Sherloc (09022015). Collection method: clinical testing. Allele origin: germline.
Comment: This sequence change replaces tyrosine, which is neutral and polar, with histidine, which is basic and polar, at codon 656 of the PLOD3 protein (p.Tyr656His). This variant is present in population databases (rs145574810, gnomAD 0.01%). This variant has not been reported in the literature in individuals affected with PLOD3-related conditions. Algorithms developed to predict the effect of missense changes on protein structure and function are either unavailable or do not agree on the potential impact of this missense change (SIFT: "Deleterious"; PolyPhen-2: "Probably Damaging"; Align-GVGD: "Class C0"). In summary, the available evidence is currently insufficient to determine the role of this variant in disease. Therefore, it has been classified as a Variant of Uncertain Significance.

PreventionGenetics, part of Exact Sciences
Classification: Uncertain significance for PLOD3-related condition. Last evaluated: 2024-08-08. Review status: no assertion criteria provided. Collection method: clinical testing. Allele origin: germline. Not counted in ClinVar's aggregate classification.
Comment: The PLOD3 c.1966T>C variant is predicted to result in the amino acid substitution p.Tyr656His. To our knowledge, this variant has not been reported in the literature. This variant is reported in 0.013% of alleles in individuals of European (Non-Finnish) descent in gnomAD. At this time, the clinical significance of this variant is uncertain due to the absence of conclusive functional and genetic evidence.

NM_001084.5(PLOD3):c.1966T>C (p.Tyr656His)

Gene: PLOD3 (procollagen-lysine,2-oxoglutarate 5-dioxygenase 3; minus strand). Cytogenetic location: 7q22.1.
Variant type: single nucleotide variant.
Coding change: c.1966T>C on transcript NM_001084.5 (MANE Select); coding-DNA position 1966, T replaced by C.
Protein change: p.Tyr656His; replaces tyrosine 656 with histidine.
Molecular consequence: missense variant.
Genome position (GRCh38, 1-based): chr7:101,206,874, A>G on the plus strand (T>C on the coding strand, the complement: PLOD3 is on the minus strand). VCF-style: chr7-101206874-A-G. GRCh37 (hg19) VCF-style: chr7-100850155-A-G.
Other names: short protein forms Y656H.
Identifiers: ClinVar variation 2068035 (VCV002068035.4), dbSNP rs145574810, ClinGen allele CA4407435.